The following is an entry in ClinVar:

ClinVar aggregate classification (germline): Conflicting classifications of pathogenicity. Review status: criteria provided, conflicting classifications (1 of 4 stars). 7 submissions from 7 submitters: Uncertain significance (4); Likely benign (3). Last evaluated 2026-04-20.

Conditions:
Epidermolysis bullosa simplex, Ogna type (EBS5A). Also called: Pidermolysis bullosa simplex 5A, Ogna type; EPIDERMOLYSIS BULLOSA SIMPLEX 5A, OGNA TYPE. Identifiers: Orphanet 79401, MedGen C0432317, MONDO:0007555, OMIM 131950.
Autosomal recessive limb-girdle muscular dystrophy type 2Q (LGMDR17). Also called: MUSCULAR DYSTROPHY, LIMB-GIRDLE, AUTOSOMAL RECESSIVE 17. Identifiers: Orphanet 254361, MedGen C3150989, MONDO:0013390, OMIM 613723.
Epidermolysis bullosa simplex 5B, with muscular dystrophy (EBS5B). Also called: Epidermolysis bullosa simplex with muscular dystrophy; EPIDERMOLYSIS BULLOSA SIMPLEX AND LIMB-GIRDLE MUSCULAR DYSTROPHY. Identifiers: Orphanet 257, MedGen C2931072, MONDO:0009181, OMIM 226670.
Epidermolysis bullosa simplex with nail dystrophy (EBS5D). Identifiers: MedGen C4225309, MONDO:0014661, OMIM 616487.
Epidermolysis bullosa simplex 5C, with pyloric atresia (EBS5C). Also called: PLEC-Related Epidermolysis Bullosa with Pyloric Atresia; Epidermolysis bullosa simplex with pyloric atresia; PLEC1-Related Epidermolysis Bullosa with Pyloric Atresia. Identifiers: Orphanet 158684, MedGen C2677349, MONDO:0012807, OMIM 612138.
PLEC-related disorder. Also called: PLEC-related condition; PLEC-related disorders.

Allele frequency attached by ClinVar (database versions not stated): ESP Exome Variant Server 0.00008; gnomAD 0.00011 and 0.00012; ExAC 0.00016; gnomAD exomes 0.00016; TOPMed 0.00016; 1000 Genomes Project 30x 0.00062; 1000 Genomes Project 0.00080.
gnomAD v4.1: 170 of 1,602,238 alleles (0.011%); highest among the groups gnomAD compares: East Asian, 0.025%; 1 homozygote.

Submissions (7):

Women's Health and Genetics/Laboratory Corporation of America, LabCorp
Classification: Uncertain significance. Last evaluated: 2026-04-20. Review status: criteria provided, single submitter. Criteria: LabCorp Variant Classification Summary - May 2015. Collection method: clinical testing. Allele origin: germline.
Comment: Variant summary: PLEC c.10211G>A (p.Arg3404Gln) results in a conservative amino acid change in the encoded protein sequence. Algorithms developed to predict the effect of missense changes on protein structure and function are either unavailable or do not agree on the potential impact of this missense change. The variant allele was found at a frequency of 0.00016 in 238022 control chromosomes. This frequency is not significantly higher than estimated for disease-causing variants in PLEC, allowing no conclusion about variant significance. To our knowledge, no occurrence of c.10211G>A in individuals affected with PLEC-related conditions and no experimental evidence demonstrating its impact on protein function have been reported. ClinVar contains an entry for this variant (Variation ID: 478626). Based on the evidence outlined above, the variant was classified as uncertain significance.

Labcorp Genetics (formerly Invitae), Labcorp
Classification: Uncertain significance for Autosomal recessive limb-girdle muscular dystrophy type 2Q; Epidermolysis bullosa simplex, Ogna type; Epidermolysis bullosa simplex with nail dystrophy; Epidermolysis bullosa simplex 5C, with pyloric atresia; Epidermolysis bullosa simplex 5B, with muscular dystrophy. Last evaluated: 2025-12-24. Review status: criteria provided, single submitter. Criteria: Invitae Variant Classification Sherloc (09022015). Collection method: clinical testing. Allele origin: germline.
Comment: This sequence change replaces arginine, which is basic and polar, with glutamine, which is neutral and polar, at codon 3404 of the PLEC protein (p.Arg3404Gln). This variant is present in population databases (rs375724891, gnomAD 0.1%). This variant has not been reported in the literature in individuals affected with PLEC-related conditions. ClinVar contains an entry for this variant (Variation ID: 478626). Invitae Evidence Modeling of protein sequence and biophysical properties (such as structural, functional, and spatial information, amino acid conservation, physicochemical variation, residue mobility, and thermodynamic stability) has been performed for this missense variant. However, the output from this modeling did not meet the statistical confidence thresholds required to predict the impact of this variant on PLEC protein function. In summary, the available evidence is currently insufficient to determine the role of this variant in disease. Therefore, it has been classified as a Variant of Uncertain Significance.

PreventionGenetics, part of Exact Sciences
Classification: Likely benign for PLEC-related condition. Last evaluated: 2025-05-25. Review status: criteria provided, single submitter. Criteria: ACMG Guidelines, 2015. Collection method: clinical testing. Allele origin: germline.
Comment: This variant is classified as likely benign based on ACMG/AMP sequence variant interpretation guidelines (Richards et al. 2015 PMID: 25741868, with internal and published modifications).

Revvity Omics, Revvity
Classification: Likely benign. Last evaluated: 2023-11-07. Review status: criteria provided, single submitter. Criteria: ACMG Guidelines, 2015. Collection method: clinical testing. Allele origin: germline.

CeGaT Center for Human Genetics Tuebingen
Classification: Uncertain significance. Last evaluated: 2023-09-01. Review status: criteria provided, single submitter. Criteria: CeGaT Center For Human Genetics Tuebingen Variant Classification Criteria Version 2. Collection method: clinical testing. Allele origin: germline. Affected: yes. Observed: 1 variant allele.

Eurofins Ntd Llc (ga)
Classification: Uncertain significance. Last evaluated: 2018-06-08. Review status: criteria provided, single submitter. Criteria: EGL ClinVar v180209 classification definitions. Collection method: clinical testing. Allele origin: germline. Observed: 2 variant alleles, 2 heterozygotes.

GeneDx
Classification: Likely benign. Last evaluated: 2017-11-16. Review status: criteria provided, single submitter. Criteria: GeneDx Variant Classification (06012015). Collection method: clinical testing. Allele origin: germline. Affected: yes.
Comment: This variant is considered likely benign or benign based on one or more of the following criteria: it is a conservative change, it occurs at a poorly conserved position in the protein, it is predicted to be benign by multiple in silico algorithms, and/or has population frequency not consistent with disease.

NM_201384.3(PLEC):c.10130G>A (p.Arg3377Gln)

Gene: PLEC (plectin; minus strand). Cytogenetic location: 8q24.3.
Variant type: single nucleotide variant.
Coding change: c.10130G>A on transcript NM_201384.3 (MANE Select); coding-DNA position 10130, G replaced by A.
Protein change: p.Arg3377Gln; replaces arginine 3377 with glutamine.
Molecular consequence: missense variant.
Genome position (GRCh38, 1-based): chr8:143,919,691, C>T on the plus strand (G>A on the coding strand, the complement: PLEC is on the minus strand). VCF-style: chr8-143919691-C-T. GRCh37 (hg19) VCF-style: chr8-144993859-C-T.
Other names: c.10211G>A, p.Arg3404Gln (NM_000445.5); c.10088G>A, p.Arg3363Gln (NM_201378.4); c.10064G>A, p.Arg3355Gln (NM_201379.3); c.10541G>A, p.Arg3514Gln (NM_201380.4); c.10034G>A, p.Arg3345Gln (NM_201381.3); c.10130G>A, p.Arg3377Gln (NM_201382.4); c.10142G>A, p.Arg3381Gln (NM_201383.3); short protein forms R3377Q, R3381Q, R3404Q, R3355Q, R3345Q, R3363Q, R3514Q.
Identifiers: ClinVar variation 478626 (VCV000478626.61), dbSNP rs375724891, ClinGen allele CA4924742.
Genomic context (GRCh38, chr8:143,919,691, plus strand): 5'-AAGCCAGTGGCCGCCTGCGCCTCCAGCAGGAGCGCAGCCGTTGTGGCTCTCAGCAGGCCC[C>T]GGCGCATGGCCTCGTAGATGGACACCTTCTCCTTGGTGTCCTCCAGGTAGATGCCGGCGA-3'
Protein context (NP_958786.1, residues 3367-3387): EKVSIYEAMR[Arg3377Gln]GLLRATTAAL